The following is an entry in ClinVar:

NM_000080.4(CHRNE):c.3G>A (p.Met1Ile)

Genes: CHRNE (cholinergic receptor nicotinic epsilon subunit; minus strand), C17orf107 (chromosome 17 open reading frame 107; plus strand). Cytogenetic location: 17p13.2.
Variant type: single nucleotide variant.
Coding change: c.3G>A on transcript NM_000080.4 (MANE Select); coding-DNA position 3, G replaced by A.
Protein change: p.Met1Ile; changes the start codon (methionine 1).
Molecular consequence: missense variant, initiator codon variant.
Genome position (GRCh38, 1-based): chr17:4,903,061, C>T on the plus strand (G>A on the coding strand, the complement: CHRNE is on the minus strand). VCF-style: chr17-4903061-C-T. GRCh37 (hg19) VCF-style: chr17-4806356-C-T.
Other names: short protein forms M1I.
Identifiers: ClinVar variation 931856 (VCV000931856.4), dbSNP rs1970039895, ClinGen allele CA397308071.
Genomic context (GRCh38, chr17:4,903,061, plus strand): 5'-CTAGCCCCTGTCCGTACCGAGAAGCCCCAAGAGGAGCAGGACCCCAAGCGGAGCCCTTGC[C>T]ATCCTGCTGCGTGGTTCTCAGGGTTATTCTGAGCTCTGGCAGGCTTGGAGGGGGCATGCC-3'
Protein context (NP_000071.1, residues 1-11): [Met1Ile]ARAPLGVLLL

ClinVar aggregate classification (germline): Likely pathogenic (1 of 4 stars; one submission).

Conditions:
Congenital myasthenic syndrome 4B. Also called: Myasthenic syndrome, congenital, 4b, fast-channel. Identifiers: Orphanet 590, MedGen C4225369, MONDO:0014586, OMIM 616324.

Submission:

Centre for Mendelian Genomics, University Medical Centre Ljubljana
Classification: Likely pathogenic for Congenital myasthenic syndrome 4B. Last evaluated: 2018-10-02. Review status: criteria provided, single submitter. Criteria: ACMG Guidelines, 2015. Collection method: clinical testing. Allele origin: unknown. Affected: yes.
Comment: This variant was classified as: Likely pathogenic. The following ACMG criteria were applied in classifying this variant: PVS1,PM2. This variant was detected in homozygous state.